The following is an entry in ClinVar:

NM_000264.5(PTCH1):c.361C>G (p.Leu121Val)

Gene: PTCH1 (patched 1; minus strand). Cytogenetic location: 9q22.32.
Variant type: single nucleotide variant.
Coding change: c.361C>G on transcript NM_000264.5 (MANE Select); coding-DNA position 361, C replaced by G.
Protein change: p.Leu121Val; replaces leucine 121 with valine.
Molecular consequence: missense variant. On other transcripts: 5 prime UTR variant (4), non-coding transcript variant (1).
Genome position (GRCh38, 1-based): chr9:95,506,440, G>C on the plus strand (C>G on the coding strand, the complement: PTCH1 is on the minus strand). VCF-style: chr9-95506440-G-C. GRCh37 (hg19) VCF-style: chr9-98268722-G-C.
Other names: c.163C>G, p.Leu55Val (NM_001083602.3, NM_001354919.2); c.358C>G, p.Leu120Val (NM_001083603.3); c.-93C>G (NM_001083604.3, NM_001083605.3, NM_001083606.3 and 1 more transcripts); c.361C>G, p.Leu121Val (NM_001354918.2); short protein forms L120V, L121V, L55V.
Identifiers: ClinVar variation 824000 (VCV000824000.11), dbSNP rs776424978, ClinGen allele CA5138978.
Genomic context (GRCh38, chr9:95,506,440, plus strand): 5'-CGCGGGCGCCGCGGCGGGCGCTCTTACCTTCCACCCACAGCTCCTCCACGTTGGTCTCGA[G>C]GTTCGCTGCTTTTAATCCCACCGCGAAGGCCCCAAATATGAGGAGGCCCACAACCAAGAA-3'
Protein context (NP_000255.2, residues 111-131): AFAVGLKAAN[Leu121Val]ETNVEELWVE

ClinVar aggregate classification (germline): Conflicting classifications of pathogenicity. Review status: criteria provided, conflicting classifications (1 of 4 stars). 3 submissions from 3 submitters: Uncertain significance (2); Likely benign (1). Last evaluated 2025-12-04.

Conditions:
Basal cell carcinoma, susceptibility to, 1. Also called: BCC1. Identifiers: MedGen C2751544, MONDO:0011556, OMIM 605462.
Gorlin syndrome. Also called: Nevoid Basal Cell Carcinoma Syndrome; Basal cell nevus syndrome. Identifiers: Orphanet 377, MedGen C0004779, MONDO:0007187.
Hereditary cancer-predisposing syndrome. Also called: Neoplastic Syndromes, Hereditary; Hereditary Cancer Syndrome; Hereditary neoplastic syndrome; Tumor predisposition. Identifiers: Orphanet 140162, MedGen C0027672, MeSH D009386, MONDO:0015356.

Allele frequency attached by ClinVar (database versions not stated): ExAC 0.00001; TOPMed 0.00001.

Submissions (3):

Ambry Genetics
Classification: Uncertain significance for Hereditary cancer-predisposing syndrome. Last evaluated: 2025-12-04. Review status: criteria provided, single submitter. Criteria: Ambry Variant Classification Scheme 2023. Collection method: clinical testing. Allele origin: germline.
Comment: The p.L121V variant (also known as c.361C>G), located in coding exon 2 of the PTCH1 gene, results from a C to G substitution at nucleotide position 361. The leucine at codon 121 is replaced by valine, an amino acid with highly similar properties. This amino acid position is highly conserved in available vertebrate species. In addition, the in silico prediction for this alteration is inconclusive. Since supporting evidence is limited at this time, the clinical significance of this alteration remains unclear.

Baylor Genetics
Classification: Uncertain significance for Basal cell carcinoma, susceptibility to, 1. Last evaluated: 2024-03-18. Review status: criteria provided, single submitter. Criteria: ACMG Guidelines, 2015. Collection method: clinical testing. Allele origin: unknown.

Labcorp Genetics (formerly Invitae), Labcorp
Classification: Likely benign for Gorlin syndrome. Last evaluated: 2023-02-03. Review status: criteria provided, single submitter. Criteria: Invitae Variant Classification Sherloc (09022015). Collection method: clinical testing. Allele origin: germline.